The following is an entry in ClinVar:

ClinVar aggregate classification (germline): Uncertain significance (1 of 4 stars; one submission).

Submission:

GeneDx
Classification: Uncertain significance. Last evaluated: 2024-04-22. Review status: criteria provided, single submitter. Criteria: GeneDx Variant Classification Process June 2021. Collection method: clinical testing. Allele origin: germline. Affected: yes.
Comment: Not observed at significant frequency in large population cohorts (gnomAD); In silico analysis supports that this missense variant has a deleterious effect on protein structure/function; Has not been previously published as pathogenic or benign to our knowledge

NM_000214.3(JAG1):c.3135C>A (p.Asn1045Lys)

Gene: JAG1 (jagged canonical Notch ligand 1; minus strand). Cytogenetic location: 20p12.2.
Variant type: single nucleotide variant.
Coding change: c.3135C>A on transcript NM_000214.3 (MANE Select); coding-DNA position 3135, C replaced by A.
Protein change: p.Asn1045Lys; replaces asparagine 1045 with lysine.
Molecular consequence: missense variant.
Genome position (GRCh38, 1-based): chr20:10,640,847, G>T on the plus strand (C>A on the coding strand, the complement: JAG1 is on the minus strand). VCF-style: chr20-10640847-G-T. GRCh37 (hg19) VCF-style: chr20-10621495-G-T.
Other names: short protein forms N1045K.
Identifiers: ClinVar variation 3372741 (VCV003372741.1).